The following is an entry in ClinVar:

ClinVar aggregate classification (germline): Uncertain significance. Review status: criteria provided, multiple submitters, no conflicts (2 of 4 stars). 3 submissions from 3 submitters: Uncertain significance (2). 1 of the submissions does not count toward it. Last evaluated 2022-05-16.

Conditions:
IFT172-related disorder. Also called: IFT172-related condition; IFT172-related disorders.
Retinitis pigmentosa 71 (RP71). Identifiers: Orphanet 791, MedGen C4225342, MONDO:0014618, OMIM 616394.
Bardet-Biedl syndrome 20. Identifiers: MedGen C4310707, MONDO:0023670, OMIM 619471, MONDO:0014926.
Short-rib thoracic dysplasia 10 with or without polydactyly (SRTD10). Identifiers: Orphanet 474, MedGen C3810175, MONDO:0014284, OMIM 615630.

Allele frequency attached by ClinVar (database versions not stated): gnomAD exomes 0.00001; TOPMed below 0.00001; gnomAD 0.00001.
gnomAD v4.1: 13 of 1,613,784 alleles (0.00081%); highest among the groups gnomAD compares: Non-Finnish European, 0.0011%; no homozygotes.

Submissions (3):

Fulgent Genetics
Classification: Uncertain significance for Short-rib thoracic dysplasia 10 with or without polydactyly; Retinitis pigmentosa 71; Bardet-Biedl syndrome 20. Last evaluated: 2022-05-16. Review status: criteria provided, single submitter. Criteria: ACMG Guidelines, 2015. Collection method: clinical testing. Allele origin: unknown.

Labcorp Genetics (formerly Invitae), Labcorp
Classification: Uncertain significance for Retinitis pigmentosa 71; Short-rib thoracic dysplasia 10 with or without polydactyly. Last evaluated: 2020-06-01. Review status: criteria provided, single submitter. Criteria: Invitae Variant Classification Sherloc (09022015). Collection method: clinical testing. Allele origin: germline.
Comment: This sequence change replaces valine with isoleucine at codon 135 of the IFT172 protein (p.Val135Ile). The valine residue is highly conserved and there is a small physicochemical difference between valine and isoleucine. In summary, the available evidence is currently insufficient to determine the role of this variant in disease. Therefore, it has been classified as a Variant of Uncertain Significance. Algorithms developed to predict the effect of missense changes on protein structure and function are either unavailable or do not agree on the potential impact of this missense change (SIFT: "Deleterious"; PolyPhen-2: "Benign"; Align-GVGD: "Class C0"). This variant has not been reported in the literature in individuals with IFT172-related conditions. This variant is not present in population databases (ExAC no frequency).

PreventionGenetics, part of Exact Sciences
Classification: Uncertain significance for IFT172-related condition. Last evaluated: 2024-07-02. Review status: no assertion criteria provided. Collection method: clinical testing. Allele origin: germline. Not counted in ClinVar's aggregate classification.
Comment: The IFT172 c.403G>A variant is predicted to result in the amino acid substitution p.Val135Ile. To our knowledge, this variant has not been reported in the literature. This variant is reported in 0.013% of alleles in individuals of European (Non-Finnish) descent in gnomAD. At this time, the clinical significance of this variant is uncertain due to the absence of conclusive functional and genetic evidence.

NM_015662.3(IFT172):c.403G>A (p.Val135Ile)

Gene: IFT172 (intraflagellar transport 172; minus strand). Cytogenetic location: 2p23.3.
Variant type: single nucleotide variant.
Coding change: c.403G>A on transcript NM_015662.3 (MANE Select); coding-DNA position 403, G replaced by A.
Protein change: p.Val135Ile; replaces valine 135 with isoleucine.
Molecular consequence: missense variant.
Genome position (GRCh38, 1-based): chr2:27,483,659, C>T on the plus strand (G>A on the coding strand, the complement: IFT172 is on the minus strand). VCF-style: chr2-27483659-C-T. GRCh37 (hg19) VCF-style: chr2-27706526-C-T.
Other names: c.403G>A (NM_015662.2); short protein forms V135I.
Identifiers: ClinVar variation 1004209 (VCV001004209.9), dbSNP rs201476743, ClinGen allele CA44518436.
Genomic context (GRCh38, chr2:27,483,659, plus strand): 5'-CGTAAGACTCTGTCCCATAGATGGTAGATGATTTATTAGTTTTGGTGTTTGCTAAACGAA[C>T]CTGAAAATGGAAAAATTGATACAAGTATGGTTAGGCTATTTTATATTTAACTAGGCCCTA-3'
Protein context (NP_056477.1, residues 125-145): IIVFGLAEGK[Val135Ile]RLANTKTNKS